The following is an entry in ClinVar:

NM_001164508.2(NEB):c.3788C>A (p.Ala1263Asp)

Gene: NEB (nebulin; minus strand). Cytogenetic location: 2q23.3.
Variant type: single nucleotide variant.
Coding change: c.3788C>A on transcript NM_001164508.2 (MANE Select); coding-DNA position 3788, C replaced by A.
Protein change: p.Ala1263Asp; replaces alanine 1263 with aspartic acid.
Molecular consequence: missense variant.
Genome position (GRCh38, 1-based): chr2:151,675,378, G>T on the plus strand (C>A on the coding strand, the complement: NEB is on the minus strand). VCF-style: chr2-151675378-G-T. GRCh37 (hg19) VCF-style: chr2-152531892-G-T.
Other names: c.3788C>A, p.Ala1263Asp (NM_001164507.2, NM_001271208.2, NM_004543.5); short protein forms A1263D.
Identifiers: ClinVar variation 641512 (VCV000641512.8), dbSNP rs1575886894, ClinGen allele CA348818151.

ClinVar aggregate classification (germline): Uncertain significance (1 of 4 stars; one submission).

Conditions:
Nemaline myopathy 2 (NEM2). Also called: Nemaline myopathy 2, autosomal recessive. Identifiers: MedGen C1850569, MONDO:0009725, OMIM 256030.

Allele frequency attached by ClinVar (database versions not stated): gnomAD exomes below 0.00001.
gnomAD v4.1: 1 of 1,572,946 alleles (0.000064%); highest among the groups gnomAD compares: Non-Finnish European, 0.000087%; no homozygotes.

Submission:

Labcorp Genetics (formerly Invitae), Labcorp
Classification: Uncertain significance for Nemaline myopathy 2. Last evaluated: 2023-10-03. Review status: criteria provided, single submitter. Criteria: Invitae Variant Classification Sherloc (09022015). Collection method: clinical testing. Allele origin: germline.
Comment: This sequence change replaces alanine, which is neutral and non-polar, with aspartic acid, which is acidic and polar, at codon 1263 of the NEB protein (p.Ala1263Asp). This variant is not present in population databases (gnomAD no frequency). This variant has not been reported in the literature in individuals affected with NEB-related conditions. ClinVar contains an entry for this variant (Variation ID: 641512). Experimental studies and prediction algorithms are not available or were not evaluated, and the functional significance of this variant is currently unknown. In summary, the available evidence is currently insufficient to determine the role of this variant in disease. Therefore, it has been classified as a Variant of Uncertain Significance.